The following is an entry in ClinVar:

ClinVar aggregate classification (germline): Uncertain significance (1 of 4 stars; one submission).

Conditions:
Gastrointestinal stromal tumor. Also called: Gastrointestinal stroma tumor; Gastrointestinal stromal tumor, somatic. Identifiers: Orphanet 44890, MedGen C0238198, MeSH D046152, MONDO:0011719, OMIM 606764, HP:0100723.

Submission:

Labcorp Genetics (formerly Invitae), Labcorp
Classification: Uncertain significance for Gastrointestinal stromal tumor. Last evaluated: 2022-08-20. Review status: criteria provided, single submitter. Criteria: Invitae Variant Classification Sherloc (09022015). Collection method: clinical testing. Allele origin: germline.
Comment: This sequence change replaces serine, which is neutral and polar, with alanine, which is neutral and non-polar, at codon 984 of the PDGFRA protein (p.Ser984Ala). In summary, the available evidence is currently insufficient to determine the role of this variant in disease. Therefore, it has been classified as a Variant of Uncertain Significance. Algorithms developed to predict the effect of missense changes on protein structure and function output the following: SIFT: "Tolerated"; PolyPhen-2: "Benign"; Align-GVGD: "Class C0". The alanine amino acid residue is found in multiple mammalian species, which suggests that this missense change does not adversely affect protein function. This variant has not been reported in the literature in individuals affected with PDGFRA-related conditions. This variant is not present in population databases (gnomAD no frequency).

NM_006206.6(PDGFRA):c.2950T>G (p.Ser984Ala)

Gene: PDGFRA (platelet derived growth factor receptor alpha; plus strand). Cytogenetic location: 4q12.
Variant type: single nucleotide variant.
Coding change: c.2950T>G on transcript NM_006206.6 (MANE Select); coding-DNA position 2950, T replaced by G.
Protein change: p.Ser984Ala; replaces serine 984 with alanine.
Molecular consequence: missense variant.
Genome position (GRCh38, 1-based): chr4:54,290,382, T>G. VCF-style: chr4-54290382-T-G. GRCh37 (hg19) VCF-style: chr4-55156549-T-G.
Other names: c.3025T>G, p.Ser1009Ala (NM_001347828.2); c.2950T>G, p.Ser984Ala (NM_001347829.2); c.2989T>G, p.Ser997Ala (NM_001347830.2); short protein forms S1009A, S984A, S997A.
Identifiers: ClinVar variation 1717082 (VCV001717082.6), dbSNP rs2475565332, ClinGen allele CA356896053.